The following is an entry in ClinVar:

NM_006005.3(WFS1):c.136C>T (p.Pro46Ser)

Gene: WFS1 (wolframin ER transmembrane glycoprotein; plus strand). Cytogenetic location: 4p16.1.
Variant type: single nucleotide variant.
Coding change: c.136C>T on transcript NM_006005.3 (MANE Select); coding-DNA position 136, C replaced by T.
Protein change: p.Pro46Ser; replaces proline 46 with serine.
Molecular consequence: missense variant.
Genome position (GRCh38, 1-based): chr4:6,277,591, C>T. VCF-style: chr4-6277591-C-T. GRCh37 (hg19) VCF-style: chr4-6279318-C-T.
Other names: c.136C>T, p.Pro46Ser (NM_001145853.1); short protein forms P46S.
Identifiers: ClinVar variation 2154234 (VCV002154234.4), dbSNP rs777306477, ClinGen allele CA2838806.
Genomic context (GRCh38, chr4:6,277,591, plus strand): 5'-CGACTCAATGCCACAGCCTCGTTGGAGCAGGAGAGGAGCGAAAGGCCCCGAGCACCCGGA[C>T]CCCAGGCTGGCCCTGGCCCTGGTGTTAGAGACGCAGCGGCCCCCGCTGAACCCCAGGCCC-3'
Protein context (NP_005996.2, residues 36-56): ERSERPRAPG[Pro46Ser]QAGPGPGVRD

ClinVar aggregate classification (germline): Uncertain significance (1 of 4 stars; one submission).

Allele frequency attached by ClinVar (database versions not stated): gnomAD exomes below 0.00001.
gnomAD v4.1: 2 of 1,580,436 alleles (0.00013%); highest among the groups gnomAD compares: Non-Finnish European, 0.00017%; no homozygotes.

Submission:

Labcorp Genetics (formerly Invitae), Labcorp
Classification: Uncertain significance. Last evaluated: 2022-02-18. Review status: criteria provided, single submitter. Criteria: Invitae Variant Classification Sherloc (09022015). Collection method: clinical testing. Allele origin: germline.
Comment: In summary, the available evidence is currently insufficient to determine the role of this variant in disease. Therefore, it has been classified as a Variant of Uncertain Significance. Advanced modeling of protein sequence and biophysical properties (such as structural, functional, and spatial information, amino acid conservation, physicochemical variation, residue mobility, and thermodynamic stability) performed at Invitae indicates that this missense variant is not expected to disrupt WFS1 protein function. This variant has not been reported in the literature in individuals affected with WFS1-related conditions. This variant is not present in population databases (gnomAD no frequency). This sequence change replaces proline, which is neutral and non-polar, with serine, which is neutral and polar, at codon 46 of the WFS1 protein (p.Pro46Ser).